The following is an entry in ClinVar:

NM_000465.4(BARD1):c.760A>C (p.Ile254Leu)

Gene: BARD1 (BRCA1 associated RING domain 1; minus strand). Cytogenetic location: 2q35.
Variant type: single nucleotide variant.
Coding change: c.760A>C on transcript NM_000465.4 (MANE Select); coding-DNA position 760, A replaced by C.
Protein change: p.Ile254Leu; replaces isoleucine 254 with leucine.
Molecular consequence: missense variant. On other transcripts: non-coding transcript variant (2), intron variant (3).
Genome position (GRCh38, 1-based): chr2:214,781,114, T>G on the plus strand (A>C on the coding strand, the complement: BARD1 is on the minus strand). VCF-style: chr2-214781114-T-G. GRCh37 (hg19) VCF-style: chr2-215645838-T-G.
Other names: c.703A>C, p.Ile235Leu (NM_001282543.2); c.158+28298A>C (NM_001282548.2); c.215+15947A>C (NM_001282545.2); c.364+11183A>C (NM_001282549.2); short protein forms I254L, I235L.
Identifiers: ClinVar variation 245885 (VCV000245885.24), dbSNP rs879253984, ClinGen allele CA10584180.

ClinVar aggregate classification (germline): Conflicting classifications of pathogenicity. Review status: criteria provided, conflicting classifications (1 of 4 stars). 5 submissions from 5 submitters: Uncertain significance (4); Likely benign (1). Last evaluated 2025-12-03.

Conditions:
Hereditary cancer-predisposing syndrome. Also called: Tumor predisposition; Neoplastic Syndromes, Hereditary; Hereditary Cancer Syndrome; Hereditary neoplastic syndrome. Identifiers: Orphanet 140162, MedGen C0027672, MeSH D009386, MONDO:0015356.
Familial cancer of breast. Also called: Hereditary breast cancer; BREAST CANCER, FAMILIAL; hereditary breast carcinoma. Identifiers: Orphanet 227535, MedGen C0346153, MONDO:0016419, OMIM 114480. Disease mechanism: loss of function.

Allele frequency attached by ClinVar (database versions not stated): gnomAD exomes below 0.00001 and 0.00001.
gnomAD v4.1: 4 of 1,580,954 alleles (0.00025%); highest among the groups gnomAD compares: African/African-American, 0.0014%; no homozygotes.

Submissions (5):

Labcorp Genetics (formerly Invitae), Labcorp
Classification: Uncertain significance for Familial cancer of breast. Last evaluated: 2025-12-03. Review status: criteria provided, single submitter. Criteria: Invitae Variant Classification Sherloc (09022015). Collection method: clinical testing. Allele origin: germline.
Comment: This sequence change replaces isoleucine, which is neutral and non-polar, with leucine, which is neutral and non-polar, at codon 254 of the BARD1 protein (p.Ile254Leu). This variant is present in population databases (no rsID available, gnomAD 0.001%). This variant has not been reported in the literature in individuals affected with BARD1-related conditions. ClinVar contains an entry for this variant (Variation ID: 245885). An algorithm developed to predict the effect of missense changes on protein structure and function outputs the following: PolyPhen-2: "Benign". The leucine amino acid residue is found in multiple mammalian species, which suggests that this missense change does not adversely affect protein function. In summary, the available evidence is currently insufficient to determine the role of this variant in disease. Therefore, it has been classified as a Variant of Uncertain Significance.

Ambry Genetics
Classification: Likely benign for Hereditary cancer-predisposing syndrome. Last evaluated: 2024-02-26. Review status: criteria provided, single submitter. Criteria: Ambry Variant Classification Scheme 2023. Collection method: clinical testing. Allele origin: germline.

GeneDx
Classification: Uncertain significance. Last evaluated: 2023-11-20. Review status: criteria provided, single submitter. Criteria: GeneDx Variant Classification Process June 2021. Collection method: clinical testing. Allele origin: germline. Affected: yes.
Comment: Not observed at significant frequency in large population cohorts (gnomAD); In silico analysis supports that this missense variant does not alter protein structure/function; Observed in an individual with ovarian cancer in published literature (PMID: 30441849); This variant is associated with the following publications: (PMID: 26738429, 30441849)

MGZ Medical Genetics Center
Classification: Uncertain significance for Familial cancer of breast. Last evaluated: 2022-08-17. Review status: criteria provided, single submitter. Criteria: ACMG Guidelines, 2015. Collection method: clinical testing. Allele origin: germline. Affected: yes. Observed: 1 variant allele.
Comment: ACMG criteria applied: PM2_SUP, BP4

Color Diagnostics, LLC DBA Color Health
Classification: Uncertain significance for Hereditary cancer-predisposing syndrome. Last evaluated: 2021-05-10. Review status: criteria provided, single submitter. Criteria: ACMG Guidelines, 2015. Collection method: clinical testing. Allele origin: germline.
Comment: This missense variant replaces isoleucine with leucine at codon 254 of the BARD1 protein. Computational prediction suggests that this variant may not impact protein structure and function (internally defined REVEL score threshold <= 0.5, PMID: 27666373). To our knowledge, functional studies have not been reported for this variant. This variant has been reported in an individual affected with ovarian cancer (PMID: 30441849). This variant has been identified in 1/221028 chromosomes in the general population by the Genome Aggregation Database (gnomAD). The available evidence is insufficient to determine the role of this variant in disease conclusively. Therefore, this variant is classified as a Variant of Uncertain Significance.

Literature cited by the submitters: PubMed 30441849 (cited by Ambry Genetics).